The following is an entry in ClinVar:

ClinVar aggregate classification (germline): Likely pathogenic (1 of 4 stars; one submission).

Conditions:
Peutz-Jeghers syndrome (PJS). Also called: POLYPOSIS, HAMARTOMATOUS INTESTINAL; POLYPS-AND-SPOTS SYNDROME; Peutz-Jeghers polyposis; Periorificial lentiginosis syndrome. Identifiers: Orphanet 2869, MedGen C0031269, MeSH D010580, MONDO:0008280, OMIM 175200.

Submission:

Labcorp Genetics (formerly Invitae), Labcorp
Classification: Likely pathogenic for Peutz-Jeghers syndrome. Last evaluated: 2022-09-19. Review status: criteria provided, single submitter. Criteria: Invitae Variant Classification Sherloc (09022015). Collection method: clinical testing. Allele origin: germline.
Comment: This sequence change affects a donor splice site in intron 7 of the STK11 gene. It is expected to disrupt RNA splicing. Variants that disrupt the donor or acceptor splice site typically lead to a loss of protein function (PMID: 16199547), and loss-of-function variants in STK11 are known to be pathogenic (PMID: 15188174, 16287113). In summary, the currently available evidence indicates that the variant is pathogenic, but additional data are needed to prove that conclusively. Therefore, this variant has been classified as Likely Pathogenic. Algorithms developed to predict the effect of sequence changes on RNA splicing suggest that this variant may disrupt the consensus splice site. This variant has not been reported in the literature in individuals affected with STK11-related conditions. This variant is not present in population databases (gnomAD no frequency).

Literature cited by the submitters: PubMed 16199547; PubMed 15188174; PubMed 16287113.

NM_000455.5(STK11):c.920+1G>C

Gene: STK11 (serine/threonine kinase 11; plus strand). Cytogenetic location: 19p13.3.
Variant type: single nucleotide variant.
Coding change: c.920+1G>C on transcript NM_000455.5 (MANE Select); the canonical splice donor site of the intron after coding-DNA position 920, G replaced by C.
Molecular consequence: splice donor variant.
Genome position (GRCh38, 1-based): chr19:1,222,007, G>C. VCF-style: chr19-1222007-G-C. GRCh37 (hg19) VCF-style: chr19-1222006-G-C.
Other names: c.920+1G>C (NM_001407255.1).
Identifiers: ClinVar variation 2031170 (VCV002031170.4), dbSNP rs1131690920, ClinGen allele CA402951345.